The following is an entry in ClinVar:

NM_001013838.3(CARMIL2):c.4135C>T (p.Gln1379Ter)

Gene: CARMIL2 (capping protein regulator and myosin 1 linker 2; plus strand). Cytogenetic location: 16q22.1.
Variant type: single nucleotide variant.
Coding change: c.4135C>T on transcript NM_001013838.3 (MANE Select); coding-DNA position 4135, C replaced by T.
Protein change: p.Gln1379Ter; replaces glutamine 1379 with a stop codon.
Molecular consequence: nonsense.
Genome position (GRCh38, 1-based): chr16:67,657,256, C>T. VCF-style: chr16-67657256-C-T. GRCh37 (hg19) VCF-style: chr16-67691159-C-T.
Other names: c.3946C>T, p.Gln1316Ter (NM_001317026.3); short protein forms Q1316*, Q1379*.
Identifiers: ClinVar variation 3689686 (VCV003689686.3).
Genomic context (GRCh38, chr16:67,657,256, plus strand): 5'-CCAAGCCTTAGCAACCCACCCCAAGCCTTTCTGTGTCCCTTAGAACGGCCCCTGAGGCTG[C>T]AGCGCTCCCCCGTCCTCAAACGCAGGCCAAAACTCGAGGCACCTCCATCCCCAAGCCTAG-3'

ClinVar aggregate classification (germline): Pathogenic/Likely pathogenic. Review status: criteria provided, multiple submitters, no conflicts (2 of 4 stars). 2 submissions from 2 submitters: Pathogenic (1); Likely pathogenic (1). Last evaluated 2024-08-26.

Conditions:
Severe combined immunodeficiency due to CARMIL2 deficiency. Also called: IMMUNODEFICIENCY 58. Identifiers: Orphanet 542301, MedGen C4748304, MONDO:0029134, OMIM 618131.

Submissions (2):

3billion
Classification: Likely pathogenic for Severe combined immunodeficiency due to CARMIL2 deficiency. Last evaluated: 2024-08-26. Review status: criteria provided, single submitter. Criteria: ACMG Guidelines, 2015. Collection method: clinical testing. Allele origin: germline. Affected: yes.
Comment: The variant is not observed in the gnomAD v4.0.0 dataset. Predicted Consequence/Location: Stop-gained (nonsense): predicted to result in a loss or disruption of normal protein function through nonsense-mediated decay (NMD) or protein truncation. Multiple pathogenic variants are reported downstream of the variant. Therefore, this variant is classified as Likely pathogenic according to the recommendation of ACMG/AMP guideline.

Labcorp Genetics (formerly Invitae), Labcorp
Classification: Pathogenic. Last evaluated: 2024-08-09. Review status: criteria provided, single submitter. Criteria: Invitae Variant Classification Sherloc (09022015). Collection method: clinical testing. Allele origin: germline.
Comment: This sequence change creates a premature translational stop signal (p.Gln1379*) in the CARMIL2 gene. It is expected to result in an absent or disrupted protein product. Loss-of-function variants in CARMIL2 are known to be pathogenic (PMID: 27647349, 28112205). This variant is not present in population databases (gnomAD no frequency). This variant has not been reported in the literature in individuals affected with CARMIL2-related conditions. Algorithms developed to predict the effect of sequence changes on RNA splicing suggest that this variant may disrupt the consensus splice site. For these reasons, this variant has been classified as Pathogenic.

Literature cited by the submitters: PubMed 27647349 (cited by Labcorp Genetics (formerly Invitae), Labcorp); PubMed 28112205 (cited by Labcorp Genetics (formerly Invitae), Labcorp).